The following is an entry in ClinVar:

ClinVar aggregate classification (germline): Uncertain significance (1 of 4 stars; one submission).

Conditions:
Ullrich congenital muscular dystrophy 2 (UCMD2). Identifiers: Orphanet 75840, MedGen C4225314, MONDO:0014654, OMIM 616470.
Bethlem myopathy 2 (BTHLM2). Identifiers: Orphanet 536516, Orphanet 610, MedGen C4225313, MONDO:0034022, OMIM 616471.

Submission:

Labcorp Genetics (formerly Invitae), Labcorp
Classification: Uncertain significance for Bethlem myopathy 2; Ullrich congenital muscular dystrophy 2. Last evaluated: 2021-10-09. Review status: criteria provided, single submitter. Criteria: Invitae Variant Classification Sherloc (09022015). Collection method: clinical testing. Allele origin: germline.
Comment: This sequence change replaces glutamic acid with valine at codon 1919 of the COL12A1 protein (p.Glu1919Val). The glutamic acid residue is highly conserved and there is a moderate physicochemical difference between glutamic acid and valine. This variant is not present in population databases (ExAC no frequency). This variant has not been reported in the literature in individuals affected with COL12A1-related conditions. Algorithms developed to predict the effect of missense changes on protein structure and function are either unavailable or do not agree on the potential impact of this missense change (SIFT: "Deleterious"; PolyPhen-2: "Possibly Damaging"; Align-GVGD: "Class C0"). Algorithms developed to predict the effect of sequence changes on RNA splicing suggest that this variant may create or strengthen a splice site. In summary, the available evidence is currently insufficient to determine the role of this variant in disease. Therefore, it has been classified as a Variant of Uncertain Significance.

NM_004370.6(COL12A1):c.5756A>T (p.Glu1919Val)

Gene: COL12A1 (collagen type XII alpha 1 chain; minus strand). Cytogenetic location: 6q13.
Variant type: single nucleotide variant.
Coding change: c.5756A>T on transcript NM_004370.6 (MANE Select); coding-DNA position 5756, A replaced by T.
Protein change: p.Glu1919Val; replaces glutamic acid 1919 with valine.
Molecular consequence: missense variant.
Genome position (GRCh38, 1-based): chr6:75,133,331, T>A on the plus strand (A>T on the coding strand, the complement: COL12A1 is on the minus strand). VCF-style: chr6-75133331-T-A. GRCh37 (hg19) VCF-style: chr6-75843047-T-A.
Other names: c.2264A>T, p.Glu755Val (NM_080645.3); short protein forms E755V, E1919V.
Identifiers: ClinVar variation 1440637 (VCV001440637.6), dbSNP rs2149387143, ClinGen allele CA364733957.
Genomic context (GRCh38, chr6:75,133,331, plus strand): 5'-ATTTTTTGGCTTTATTACTTACATGTCCTTCCAGTATCTGATGTGCGTCCCCCATCACCT[T>A]CAGTATAAACGGGAACTACAGTCACAGTGTATGAGGTATCTGGCTGCAGATTCCTAAGAA-3'
Protein context (NP_004361.3, residues 1909-1929): YTVTVVPVYT[Glu1919Val]GDGGRTSDTG